The following is an entry in ClinVar:

NC_000002.11:g.(?_47612295)_(47612359_?)del

Gene: EPCAM (epithelial cell adhesion molecule; plus strand). Cytogenetic location: 2p21.
Variant type: Deletion.
Identifiers: ClinVar variation 3247498 (VCV003247498.1).

ClinVar aggregate classification (germline): Uncertain significance (1 of 4 stars; one submission).

Submission:

Labcorp Genetics (formerly Invitae), Labcorp
Classification: Uncertain significance. Last evaluated: 2023-02-27. Review status: criteria provided, single submitter. Criteria: Invitae Variant Classification Sherloc (09022015). Collection method: clinical testing. Allele origin: unknown.
Comment: This variant is a gross deletion of the genomic region encompassing exon(s) 8 of the EPCAM gene. This variant would be expected to be in-frame, preserving the integrity of the reading frame. This variant has not been reported in the literature in individuals affected with EPCAM-related conditions. Experimental studies and prediction algorithms are not available or were not evaluated, and the functional significance of this variant is currently unknown. In summary, the available evidence is currently insufficient to determine the role of this variant in disease. Therefore, it has been classified as a Variant of Uncertain Significance.